The following is an entry in ClinVar:

NM_017617.5(NOTCH1):c.5394G>T (p.Lys1798Asn)

Gene: NOTCH1 (notch receptor 1; minus strand). Cytogenetic location: 9q34.3.
Variant type: single nucleotide variant.
Coding change: c.5394G>T on transcript NM_017617.5 (MANE Select); coding-DNA position 5394, G replaced by T.
Protein change: p.Lys1798Asn; replaces lysine 1798 with asparagine.
Molecular consequence: missense variant.
Genome position (GRCh38, 1-based): chr9:136,502,079, C>A on the plus strand (G>T on the coding strand, the complement: NOTCH1 is on the minus strand). VCF-style: chr9-136502079-C-A. GRCh37 (hg19) VCF-style: chr9-139396531-C-A.
Other names: short protein forms K1798N.
Identifiers: ClinVar variation 1747243 (VCV001747243.2), dbSNP rs2133330146, ClinGen allele CA375640170.
Genomic context (GRCh38, chr9:136,502,079, plus strand): 5'-CAGGTCCTCGTCCCCCCACTCATTCTGGTTGTCGTCCATGAGGGCACCGTCTGAAGCGTT[C>A]TTCAGGGGCCTGGGGGGTGAGGGGTCGAGAAGTGAGGCTGAGCGAGCTCCCTAGGAAGCC-3'
Protein context (NP_060087.3, residues 1788-1808): GEDSVGLKPL[Lys1798Asn]NASDGALMDD

ClinVar aggregate classification (germline): Uncertain significance (1 of 4 stars; one submission).

Conditions:
Familial thoracic aortic aneurysm and aortic dissection (TAAD). Also called: Thoracic aortic aneurysms and dissections. Identifiers: Orphanet 91387, MedGen C4707243, MONDO:0019625.

Submission:

Ambry Genetics
Classification: Uncertain significance for Familial thoracic aortic aneurysm and aortic dissection. Last evaluated: 2021-04-13. Review status: criteria provided, single submitter. Criteria: Ambry Variant Classification Scheme 2023. Collection method: clinical testing. Allele origin: germline.
Comment: The p.K1798N variant (also known as c.5394G>T), located in coding exon 29 of the NOTCH1 gene, results from a G to T substitution at nucleotide position 5394. The lysine at codon 1798 is replaced by asparagine, an amino acid with similar properties. This amino acid position is highly conserved in available vertebrate species. In addition, this alteration is predicted to be tolerated by in silico analysis. Since supporting evidence is limited at this time, the clinical significance of this alteration remains unclear.